The following is an entry in ClinVar:

NM_005321.3(H1-4):c.416A>G (p.Lys139Arg)

Gene: H1-4 (H1.4 linker histone, cluster member; plus strand). Cytogenetic location: 6p22.2.
Variant type: single nucleotide variant.
Coding change: c.416A>G on transcript NM_005321.3 (MANE Select); coding-DNA position 416, A replaced by G.
Protein change: p.Lys139Arg; replaces lysine 139 with arginine.
Molecular consequence: missense variant.
Genome position (GRCh38, 1-based): chr6:26,156,806, A>G. VCF-style: chr6-26156806-A-G. GRCh37 (hg19) VCF-style: chr6-26157034-A-G.
Other names: short protein forms K139R.
Identifiers: ClinVar variation 1303813 (VCV001303813.2), dbSNP rs772035454, ClinGen allele CA363202138.

ClinVar aggregate classification (germline): Uncertain significance (1 of 4 stars; one submission).

Submission:

GeneDx
Classification: Uncertain significance. Last evaluated: 2020-01-03. Review status: criteria provided, single submitter. Criteria: GeneDx Variant Classification Process June 2021. Collection method: clinical testing. Allele origin: germline. Affected: yes.
Comment: Not observed in large population cohorts (Lek et al., 2016); In silico analysis, which includes protein predictors and evolutionary conservation, supports that this variant does not alter protein structure/function; Has not been previously published as pathogenic or benign to our knowledge